The following is an entry in ClinVar:

ClinVar aggregate classification (germline): Uncertain significance (1 of 4 stars; one submission).

Conditions:
Intellectual developmental disorder, X-linked 99, syndromic, female-restricted. Also called: Intellectual disability, X-linked 99, syndromic, female-restricted. Identifiers: MedGen C4225416, MONDO:0010502, OMIM 300968.

Submission:

Victorian Clinical Genetics Services, Murdoch Childrens Research Institute
Classification: Uncertain significance for Intellectual developmental disorder, X-linked 99, syndromic, female-restricted. Last evaluated: 2021-05-06. Review status: criteria provided, single submitter. Criteria: ACMG Guidelines, 2015. Collection method: clinical testing. Allele origin: germline. Inheritance: X-linked dominant inheritance. Affected: yes.
Comment: Based on the classification scheme VCGS_Germline_v1.3.4, this variant is classified as VUS-3C. Following criteria are met: 0102 - Loss of function is a known mechanism of disease in this gene and is associated with X-linked recessive intellectual disability, 99 (MIM#300919) and female-restricted X-linked dominant intellectual disability, 99 (MIM#300968). (I) 0110 - This gene is associated with X-linked dominant disease. (I) 0212 - Non-canonical splice site variant without proven consequence on splicing (no functional evidence available). (SP) 0251 - This variant is heterozygous. (I) 0301 - Variant is absent from gnomAD (both v2 and v3). (SP) 0506 - Abnormal splicing is not predicted and nucleotide is poorly conserved. (SB) 0705 - No comparable splice site variants have previous evidence for pathogenicity. (I) 0807 - This variant has no previous evidence of pathogenicity. (I) 0905 - No published segregation evidence has been identified for this variant. (I) 1007 - No published functional evidence has been identified for this variant. (I) 1208 - Inheritance information for this variant is not currently available in this individual. (I) Legend: (SP) - Supporting pathogenic, (I) - Information, (SB) - Supporting benign

NM_001039591.3(USP9X):c.7219-6T>C

Gene: USP9X (ubiquitin specific peptidase 9 X-linked; plus strand). Cytogenetic location: Xp11.4.
Variant type: single nucleotide variant.
Coding change: c.7219-6T>C on transcript NM_001039591.3 (MANE Select); 6 bases into the intron before coding-DNA position 7219, T replaced by C.
Molecular consequence: intron variant.
Genome position (GRCh38, 1-based): chrX:41,229,561, T>C. VCF-style: chrX-41229561-T-C. GRCh37 (hg19) VCF-style: chrX-41088814-T-C.
Other names: c.7234-6T>C (NM_001410748.1, NM_001410749.1); c.7219-6T>C (NM_001039590.3).
Identifiers: ClinVar variation 3376555 (VCV003376555.1).